The following is an entry in ClinVar:

NM_000548.5(TSC2):c.3883+8C>G

Gene: TSC2 (TSC complex subunit 2; plus strand). Cytogenetic location: 16p13.3.
Variant type: single nucleotide variant.
Coding change: c.3883+8C>G on transcript NM_000548.5 (MANE Select); 8 bases into the intron after coding-DNA position 3883, C replaced by G.
Molecular consequence: intron variant.
Genome position (GRCh38, 1-based): chr16:2,082,512, C>G. VCF-style: chr16-2082512-C-G. GRCh37 (hg19) VCF-style: chr16-2132513-C-G.
Other names: p.?; c.3883+8C>G (NM_000548.4); c.3814+714C>G (NM_001114382.3); c.3754+8C>G (NM_021055.3, NM_001370405.1); c.3685+714C>G (NM_001363528.2); c.3751+8C>G (NM_001370404.1); c.3682+714C>G (NM_001077183.3); c.3574+714C>G (NM_001318827.2); and 3 more.
Identifiers: ClinVar variation 50027 (VCV000050027.38), dbSNP rs45517316, ClinGen allele CA019621.

ClinVar aggregate classification (germline): Benign/Likely benign. Review status: criteria provided, multiple submitters, no conflicts (2 of 4 stars). 19 submissions from 19 submitters: Benign (14); Likely benign (1). 4 of the submissions do not count toward it. Last evaluated 2026-02-04.

Conditions:
Lymphangiomyomatosis (LAM). Also called: Lymphangioleiomyomatosis; Lymphangioleiomyomatosis, somatic. Identifiers: Orphanet 538, MedGen C0751674, MONDO:0011705, OMIM 606690.
Tuberous sclerosis 2 (TSC2). Identifiers: Orphanet 805, MedGen C1860707, MONDO:0013199, OMIM 613254.
Isolated focal cortical dysplasia type II (FCORD2). Also called: CORTICAL DYSPLASIA OF TAYLOR; Focal cortical dysplasia type II. Identifiers: Orphanet 268994, MedGen C1846385, MONDO:0011818, OMIM 607341, HP:0032051.
Tuberous sclerosis syndrome (TSC). Also called: Tuberous Sclerosis Complex; Tuberous sclerosis. Identifiers: Orphanet 805, MedGen C0041341, MONDO:0001734.

Allele frequency attached by ClinVar (database versions not stated): gnomAD exomes 0.00116; ExAC 0.00381; ESP Exome Variant Server 0.01116; TOPMed 0.01339; 1000 Genomes Project 0.01198; gnomAD 0.01297; 1000 Genomes Project 30x 0.01312.
gnomAD v4.1: 3,613 of 1,610,876 alleles (0.22%); highest among the groups gnomAD compares: African/African-American, 4.2%; 68 homozygotes.

Submissions (19):

Labcorp Genetics (formerly Invitae), Labcorp
Classification: Benign for Tuberous sclerosis 2. Last evaluated: 2026-02-04. Review status: criteria provided, single submitter. Criteria: Invitae Variant Classification Sherloc (09022015). Collection method: clinical testing. Allele origin: germline.

Myriad Genetics, Inc.
Classification: Benign for Tuberous sclerosis 2. Last evaluated: 2025-06-02. Review status: criteria provided, single submitter. Criteria: Myriad Autosomal Dominant, Autosomal Recessive and X-Linked Classification Criteria (2023). Collection method: clinical testing. Allele origin: unknown.
Comment: This variant is considered benign. This variant is intronic and is not expected to impact mRNA splicing. This variant has been observed at a population frequency that is significantly greater than expected given the associated disease prevalence and penetrance.

ARUP Laboratories, Molecular Genetics and Genomics, ARUP Laboratories
Classification: Benign. Last evaluated: 2024-09-16. Review status: criteria provided, single submitter. Criteria: ARUP Molecular Germline Variant Investigation Process 2024. Collection method: clinical testing. Allele origin: germline.

Mayo Clinic Laboratories, Mayo Clinic
Classification: Benign. Last evaluated: 2024-08-29. Review status: criteria provided, single submitter. Criteria: ACMG Guidelines, 2015. Collection method: clinical testing. Allele origin: germline. Observed: 10 variant alleles.
Comment: BS1, BS2, BP4, BP7

Department of Pathology and Laboratory Medicine, Sinai Health System
Classification: Benign for tuberous sclerosis. Last evaluated: 2023-08-23. Review status: criteria provided, single submitter. Criteria: ACMG Guidelines, 2015. Collection method: clinical testing. Allele origin: germline. Affected: yes.

Quest Diagnostics Nichols Institute San Juan Capistrano
Classification: Benign. Last evaluated: 2023-08-04. Review status: criteria provided, single submitter. Criteria: Quest Diagnostics criteria. Collection method: clinical testing. Allele origin: unknown.

KCCC/NGS Laboratory, Kuwait Cancer Control Center
Classification: Benign for Tuberous sclerosis 2. Last evaluated: 2023-07-07. Review status: criteria provided, single submitter. Criteria: ACMG Guidelines, 2015. Collection method: clinical testing. Allele origin: germline. Affected: yes.

Genome-Nilou Lab
Classification: Benign for Tuberous sclerosis 2. Last evaluated: 2021-11-07. Review status: criteria provided, single submitter. Criteria: ACMG Guidelines, 2015. Collection method: clinical testing. Allele origin: germline. Affected: no.

Fulgent Genetics
Classification: Likely benign for Lymphangiomyomatosis; Isolated focal cortical dysplasia type II; Tuberous sclerosis 2. Last evaluated: 2021-07-23. Review status: criteria provided, single submitter. Criteria: ACMG Guidelines, 2015. Collection method: clinical testing. Allele origin: unknown.

Women's Health and Genetics/Laboratory Corporation of America, LabCorp
Classification: Benign. Last evaluated: 2018-06-05. Review status: criteria provided, single submitter. Criteria: LabCorp Variant Classification Summary - May 2015. Collection method: clinical testing. Allele origin: germline.
Comment: Variant summary: TSC2 c.3883+8C>G alters a nucleotide located close to a canonical splice site and therefore could affect mRNA splicing, leading to a significantly altered protein sequence. 5/5 computational tools predict no significant impact on normal splicing. However, these predictions have yet to be confirmed by functional studies. The variant allele was found at a frequency of 0.0039 in 274946 control chromosomes in the gnomAD database, including 24 homozygotes. The observed variant frequency is approximately 57-folds higher than the estimated maximal expected allele frequency for a pathogenic variant in TSC2 causing Tuberous Sclerosis Complex phenotype (6.9e-05), strongly suggesting that the variant is benign. To our knowledge, no occurrence of c.3883+8C>G in individuals affected with Tuberous Sclerosis Complex and no experimental evidence demonstrating its impact on protein function have been reported. Two ClinVar submissions from clinical diagnostic laboratories (evaluation after 2014) cites variant as likely benign/benign. Based on the evidence outlined above, the variant was classified as benign.

Athena Diagnostics
Classification: Benign. Last evaluated: 2018-01-25. Review status: criteria provided, single submitter. Criteria: Athena Diagnostics Criteria. Collection method: clinical testing. Allele origin: germline.

Illumina Laboratory Services, Illumina
Classification: Benign for Tuberous sclerosis syndrome. Last evaluated: 2018-01-13. Review status: criteria provided, single submitter. Criteria: ICSL Variant Classification Criteria 13 December 2019. Collection method: clinical testing. Allele origin: germline.
Comment: This variant was observed in the ICSL laboratory as part of a predisposition screen in an ostensibly healthy population. It had not been previously curated by ICSL or reported in the Human Gene Mutation Database (HGMD: prior to June 1st, 2018), and was therefore a candidate for classification through an automated scoring system. Utilizing variant allele frequency, disease prevalence and penetrance estimates, and inheritance mode, an automated score was calculated to assess if this variant is too frequent to cause the disease. Based on the score and internal cut-off values, a variant classified as benign is not then subjected to further curation. The score for this variant resulted in a classification of benign for this disease.

GeneDx
Classification: Benign. Last evaluated: 2013-01-14. Review status: criteria provided, single submitter. Criteria: GeneDx Variant Classification (06012015). Collection method: clinical testing. Allele origin: germline. Affected: yes.
Comment: This variant is considered likely benign or benign based on one or more of the following criteria: it is a conservative change, it occurs at a poorly conserved position in the protein, it is predicted to be benign by multiple in silico algorithms, and/or has population frequency not consistent with disease.

Breakthrough Genomics
Classification: Benign. Review status: criteria provided, single submitter. Criteria: ACMG Guidelines, 2015. Collection method: not provided. Allele origin: germline. Inheritance: Autosomal dominant inheritance. Affected: yes.

PreventionGenetics, part of Exact Sciences
Classification: Benign. Review status: criteria provided, single submitter. Criteria: ACMG Guidelines, 2015. Collection method: clinical testing. Allele origin: germline.

Clinical Genetics DNA and cytogenetics Diagnostics Lab, Erasmus MC, Erasmus Medical Center
Classification: Benign. Review status: no assertion criteria provided. Collection method: clinical testing. Allele origin: germline. Affected: yes. Study: VKGL Data-share Consensus. Not counted in ClinVar's aggregate classification.

Genetic Services Laboratory, University of Chicago
Classification: Likely benign for AllHighlyPenetrant. Review status: no assertion criteria provided. Collection method: clinical testing. Allele origin: germline. Inheritance: Autosomal dominant inheritance. Not counted in ClinVar's aggregate classification.
Comment: Likely benign based on allele frequency in 1000 Genomes Project or ESP global frequency and its presence in a patient with a rare or unrelated disease phenotype. NOT Sanger confirmed.

Genome Diagnostics Laboratory, Amsterdam University Medical Center
Classification: Benign. Review status: no assertion criteria provided. Collection method: clinical testing. Allele origin: germline. Affected: yes. Study: VKGL Data-share Consensus. Not counted in ClinVar's aggregate classification.

Tuberous sclerosis database (TSC2)
No classification provided. Condition: TSC. Review status: no classification provided. Criteria: Tuberous Sclerosis Database Assertion Criteria 2015. Collection method: curation. Allele origin: germline. Affected: yes. Not counted in ClinVar's aggregate classification.

Literature cited by the submitters: PubMed 17304050 (cited by Quest Diagnostics Nichols Institute San Juan Capistrano).